The following is an entry in ClinVar:

ClinVar aggregate classification (germline): Uncertain significance (1 of 4 stars; one submission).

Submission:

Labcorp Genetics (formerly Invitae), Labcorp
Classification: Uncertain significance. Last evaluated: 2025-03-19. Review status: criteria provided, single submitter. Criteria: Invitae Variant Classification Sherloc (09022015). Collection method: clinical testing. Allele origin: germline.
Comment: This sequence change replaces serine, which is neutral and polar, with arginine, which is basic and polar, at codon 346 of the TCF3 protein (p.Ser346Arg). The frequency data for this variant in the population databases is considered unreliable, as metrics indicate poor data quality at this position in the gnomAD database. This variant has not been reported in the literature in individuals affected with TCF3-related conditions. Invitae Evidence Modeling of protein sequence and biophysical properties (such as structural, functional, and spatial information, amino acid conservation, physicochemical variation, residue mobility, and thermodynamic stability) indicates that this missense variant is expected to disrupt TCF3 protein function with a positive predictive value of 80%. In summary, the available evidence is currently insufficient to determine the role of this variant in disease. Therefore, it has been classified as a Variant of Uncertain Significance.

NM_003200.5(TCF3):c.1038C>A (p.Ser346Arg)

Gene: TCF3 (transcription factor 3; minus strand). Cytogenetic location: 19p13.3.
Variant type: single nucleotide variant.
Coding change: c.1038C>A on transcript NM_003200.5 (MANE Select); coding-DNA position 1038, C replaced by A.
Protein change: p.Ser346Arg; replaces serine 346 with arginine.
Molecular consequence: missense variant.
Genome position (GRCh38, 1-based): chr19:1,621,023, G>T on the plus strand (C>A on the coding strand, the complement: TCF3 is on the minus strand). VCF-style: chr19-1621023-G-T. GRCh37 (hg19) VCF-style: chr19-1621022-G-T.
Other names: c.1038C>A, p.Ser346Arg (NM_001136139.4, NM_001351778.2, NM_001351779.2); short protein forms S346R.
Identifiers: ClinVar variation 4740377 (VCV004740377.1).